The following is an entry in ClinVar:

ClinVar aggregate classification (germline): Pathogenic. Review status: criteria provided, multiple submitters, no conflicts (2 of 4 stars). 3 submissions from 3 submitters: Pathogenic (2). 1 of the submissions does not count toward it. Last evaluated 2025-07-31.

Conditions:
Osteogenesis imperfecta type III (OI3). Also called: Progressively Deforming Osteogenesis Imperfecta; Osteogenesis imperfecta type 3; OI type 3; Osteogenesis imperfecta, progressively deforming with normal sclerae; OI type III. Identifiers: Orphanet 216812, Orphanet 666, MedGen C0268362, MONDO:0009804, OMIM 259420.
Osteogenesis imperfecta type I (OI1). Also called: Classic Non-deforming Osteogenesis Imperfecta with Blue Sclerae; Osteogenesis imperfecta type 1; Lobstein's Disease; OI, TYPE I; Lobstein disease; OSTEOGENESIS IMPERFECTA TARDA. Identifiers: Orphanet 216796, Orphanet 666, MedGen C0023931, MONDO:0008146, OMIM 166200. Disease mechanism: loss of function.

Submissions (3):

Dasa
Classification: Pathogenic. Last evaluated: 2025-07-31. Review status: criteria provided, single submitter. Criteria: DASA Assertion Criteria. Collection method: clinical testing. Allele origin: germline.
Comment: NM_000088.4(COL1A1):c.4391T>C (p.Leu1464Pro) is a missense variant that results in the substitution of leucine with proline. De novo occurrence has been reported in an individual with related phenotype. Segregation evidence has been reported in affected families. This variant has been recurrently observed in individuals with related phenotype (PMID: 8723681; PMID: 27509835; PMID: 27519266). Multiple computational predictions support a deleterious effect on the gene or gene product. The variant is present at low frequency in population datasets. Based on the available data, this variant is classified as pathogenic.

Labcorp Genetics (formerly Invitae), Labcorp
Classification: Pathogenic for Osteogenesis imperfecta type I. Last evaluated: 2023-10-11. Review status: criteria provided, single submitter. Criteria: Invitae Variant Classification Sherloc (09022015). Collection method: clinical testing. Allele origin: germline.
Comment: This sequence change replaces leucine, which is neutral and non-polar, with proline, which is neutral and non-polar, at codon 1464 of the COL1A1 protein (p.Leu1464Pro). This variant is not present in population databases (gnomAD no frequency). This missense change has been observed in individual(s) with osteogenesis imperfecta (PMID: 8723681, 27509835, 27519266). In at least one individual the variant was observed to be de novo. ClinVar contains an entry for this variant (Variation ID: 17332). Advanced modeling of protein sequence and biophysical properties (such as structural, functional, and spatial information, amino acid conservation, physicochemical variation, residue mobility, and thermodynamic stability) has been performed at Invitae for this missense variant, however the output from this modeling did not meet the statistical confidence thresholds required to predict the impact of this variant on COL1A1 protein function. For these reasons, this variant has been classified as Pathogenic.

OMIM
Classification: Pathogenic for OSTEOGENESIS IMPERFECTA, TYPE III. Last evaluated: 1996-01-01. Review status: no assertion criteria provided. Collection method: literature only. Allele origin: germline. Not counted in ClinVar's aggregate classification.

Literature cited by the submitters: PubMed 8723681 (cited by 3 submitters); PubMed 27509835 (cited by Dasa and Labcorp Genetics (formerly Invitae), Labcorp); PubMed 27519266 (cited by Dasa and Labcorp Genetics (formerly Invitae), Labcorp).

NM_000088.4(COL1A1):c.4391T>C (p.Leu1464Pro)

Gene: COL1A1 (collagen type I alpha 1 chain; minus strand). Cytogenetic location: 17q21.33.
Variant type: single nucleotide variant.
Coding change: c.4391T>C on transcript NM_000088.4 (MANE Select); coding-DNA position 4391, T replaced by C.
Protein change: p.Leu1464Pro; replaces leucine 1464 with proline.
Molecular consequence: missense variant.
Genome position (GRCh38, 1-based): chr17:50,185,506, A>G on the plus strand (T>C on the coding strand, the complement: COL1A1 is on the minus strand). VCF-style: chr17-50185506-A-G. GRCh37 (hg19) VCF-style: chr17-48262867-A-G.
Other names: COL1A1, LEU-PRO, C-TER PROPEPTIDE.
Identifiers: ClinVar variation 17332 (VCV000017332.6), dbSNP rs72656353, ClinGen allele CA257905.